The following is an entry in ClinVar:

NM_014319.5(LEMD3):c.2024_2027dup (p.Leu677fs)

Gene: LEMD3 (LEM domain containing 3; plus strand). Cytogenetic location: 12q14.3.
Variant type: Duplication.
Coding change: c.2024_2027dup on transcript NM_014319.5 (MANE Select); coding-DNA positions 2024 to 2027, 4 bases duplicated (ATGT; older notation c.2024_2027dupATGT).
Protein change: p.Leu677fs; shifts the reading frame from leucine 677.
Molecular consequence: frameshift variant.
Genome position (GRCh38, 1-based): chr12:65,240,136-65,240,139, ATGT duplicated. VCF-style (leftmost placement, unchanged base first): chr12-65240135-G-GATGT. GRCh37 (hg19) VCF-style: chr12-65633915-G-GATGT.
Other names: c.2021_2024dup, p.Leu676fs (NM_001167614.2); short protein forms L676fs, L677fs.
Identifiers: ClinVar variation 3728873 (VCV003728873.2).

ClinVar aggregate classification (germline): Pathogenic (1 of 4 stars; one submission).

Submission:

Labcorp Genetics (formerly Invitae), Labcorp
Classification: Pathogenic. Last evaluated: 2025-01-12. Review status: criteria provided, single submitter. Criteria: Invitae Variant Classification Sherloc (09022015). Collection method: clinical testing. Allele origin: germline.
Comment: This sequence change creates a premature translational stop signal (p.Leu677Cysfs*6) in the LEMD3 gene. It is expected to result in an absent or disrupted protein product. Loss-of-function variants in LEMD3 are known to be pathogenic (PMID: 15489854, 19438932). This variant is not present in population databases (gnomAD no frequency). This variant has not been reported in the literature in individuals affected with LEMD3-related conditions. Algorithms developed to predict the effect of sequence changes on RNA splicing suggest that this variant may disrupt the consensus splice site. For these reasons, this variant has been classified as Pathogenic.

Literature cited by the submitters: PubMed 15489854; PubMed 19438932.